The following is an entry in ClinVar:

ClinVar aggregate classification (germline): Uncertain significance (1 of 4 stars; one submission).

Conditions:
Familial thoracic aortic aneurysm and aortic dissection (TAAD). Also called: Thoracic aortic aneurysms and dissections. Identifiers: Orphanet 91387, MedGen C4707243, MONDO:0019625.

gnomAD v4.1: 3 of 1,614,026 alleles (0.00019%); highest among the groups gnomAD compares: African/African-American, 0.004%; no homozygotes.

Submission:

Color Diagnostics, LLC DBA Color Health
Classification: Uncertain significance for Familial thoracic aortic aneurysm and aortic dissection. Last evaluated: 2025-07-08. Review status: criteria provided, single submitter. Criteria: ACMG Guidelines, 2015. Collection method: clinical testing. Allele origin: germline.
Comment: This missense variant replaces alanine with aspartic acid at codon 26 of the MYH11 protein. Computational prediction is inconclusive regarding the impact of this variant on protein structure and function. To our knowledge, functional studies have not been reported for this variant. This variant has not been reported in individuals affected with MYH11-related disorders in the literature. This variant has been identified in 1/250298 chromosomes in the general population by the Genome Aggregation Database (gnomAD). The available evidence is insufficient to determine the role of this variant in disease conclusively. Therefore, this variant is classified as a Variant of Uncertain Significance.

NM_002474.3(MYH11):c.77C>A (p.Ala26Asp)

Gene: MYH11 (myosin heavy chain 11; minus strand). Cytogenetic location: 16p13.11.
Variant type: single nucleotide variant.
Coding change: c.77C>A on transcript NM_002474.3 (MANE Select); coding-DNA position 77, C replaced by A.
Protein change: p.Ala26Asp; replaces alanine 26 with aspartic acid.
Molecular consequence: missense variant.
Genome position (GRCh38, 1-based): chr16:15,838,176, G>T on the plus strand (C>A on the coding strand, the complement: MYH11 is on the minus strand). VCF-style: chr16-15838176-G-T. GRCh37 (hg19) VCF-style: chr16-15932033-G-T.
Other names: c.77C>A, p.Ala26Asp (NM_001040113.2, NM_001040114.2, NM_022844.3); short protein forms A26D.
Identifiers: ClinVar variation 4756683 (VCV004756683.1).
Genomic context (GRCh38, chr16:15,838,176, plus strand): 5'-TCGAAGCCCTGCTTCTCCGAGGGGACCCAGACGAGTCTCTTGGCGGCCCAGTCAGCCTGG[G>T]CCACTGGGCTGTTGATGAAGTTTTTGTCCACAAAGAGGAACTTCTCATCGTCACTGAGTT-3'
Protein context (NP_002465.1, residues 16-36): VDKNFINSPV[Ala26Asp]QADWAAKRLV